The following is an entry in ClinVar:

NM_001365951.3(KIF1B):c.710C>T (p.Ser237Phe)

Gene: KIF1B (kinesin family member 1B; plus strand). Cytogenetic location: 1p36.22.
Variant type: single nucleotide variant.
Coding change: c.710C>T on transcript NM_001365951.3 (MANE Select); coding-DNA position 710, C replaced by T.
Protein change: p.Ser237Phe; replaces serine 237 with phenylalanine.
Molecular consequence: missense variant.
Genome position (GRCh38, 1-based): chr1:10,268,253, C>T. VCF-style: chr1-10268253-C-T. GRCh37 (hg19) VCF-style: chr1-10328311-C-T.
Other names: c.710C>T, p.Ser237Phe (NM_001365952.1, NM_001365953.1, NM_015074.3 and 1 more transcripts); short protein forms S237F.
Identifiers: ClinVar variation 917111 (VCV000917111.5), dbSNP rs775958513, ClinGen allele CA580757.
Genomic context (GRCh38, chr1:10,268,253, plus strand): 5'-CCCACGCTGTGTTTACGATTGTTTTCACCCAGAAGAAACACGATAATGAGACCAACCTTT[C>T]CACTGAGAAGGTAGGAGAGTTTCAGTCTCTAGGCTTGAGTTGTGAAGGATGGAGATTTTG-3'
Protein context (NP_001352880.1, residues 227-247): QKKHDNETNL[Ser237Phe]TEKVSKISLV

ClinVar aggregate classification (germline): Uncertain significance. Review status: criteria provided, multiple submitters, no conflicts (2 of 4 stars). 3 submissions from 3 submitters: Uncertain significance (3). Last evaluated 2025-01-15.

Conditions:
Charcot-Marie-Tooth disease. Also called: Charcot-Marie-Tooth Hereditary Neuropathy; Charcot-Marie-Tooth Neuropathy. Identifiers: Orphanet 166, MedGen C0007959, MONDO:0015626.
Charcot-Marie-Tooth disease type 2. Also called: Charcot-Marie-Tooth type 2. Identifiers: Orphanet 64746, MedGen C0270914, MONDO:0018993.

Allele frequency attached by ClinVar (database versions not stated): gnomAD exomes below 0.00001; ExAC 0.00001.

Submissions (3):

Labcorp Genetics (formerly Invitae), Labcorp
Classification: Uncertain significance for Charcot-Marie-Tooth disease type 2. Last evaluated: 2025-01-15. Review status: criteria provided, single submitter. Criteria: Invitae Variant Classification Sherloc (09022015). Collection method: clinical testing. Allele origin: germline.
Comment: This sequence change replaces serine, which is neutral and polar, with phenylalanine, which is neutral and non-polar, at codon 237 of the KIF1B protein (p.Ser237Phe). This variant is present in population databases (rs775958513, gnomAD 0.006%). This missense change has been observed in individual(s) with Charcot-Marie-Tooth disease (PMID: 32376792). ClinVar contains an entry for this variant (Variation ID: 917111). Invitae Evidence Modeling of protein sequence and biophysical properties (such as structural, functional, and spatial information, amino acid conservation, physicochemical variation, residue mobility, and thermodynamic stability) indicates that this missense variant is not expected to disrupt KIF1B protein function with a negative predictive value of 80%. In summary, the available evidence is currently insufficient to determine the role of this variant in disease. Therefore, it has been classified as a Variant of Uncertain Significance.

Ambry Genetics
Classification: Uncertain significance. Last evaluated: 2021-06-08. Review status: criteria provided, single submitter. Criteria: Ambry Variant Classification Scheme 2023. Collection method: clinical testing. Allele origin: germline.
Comment: The p.S237F variant (also known as c.710C>T), located in coding exon 6 of the KIF1B gene, results from a C to T substitution at nucleotide position 710. The serine at codon 237 is replaced by phenylalanine, an amino acid with highly dissimilar properties. This amino acid position is well conserved in available vertebrate species. In addition, the in silico prediction for this alteration is inconclusive. Since supporting evidence is limited at this time, the clinical significance of this alteration remains unclear.

Molecular Genetics Laboratory, London Health Sciences Centre
Classification: Uncertain significance for Charcot-Marie-Tooth disease. Review status: criteria provided, single submitter. Criteria: ACMG Guidelines, 2015. Collection method: clinical testing. Allele origin: germline. Affected: yes.

Literature cited by the submitters: PubMed 32376792 (cited by Labcorp Genetics (formerly Invitae), Labcorp).